The following is an entry in ClinVar:

ClinVar aggregate classification (germline): Uncertain significance (1 of 4 stars; one submission).

Submission:

GeneDx
Classification: Uncertain significance. Last evaluated: 2022-05-05. Review status: criteria provided, single submitter. Criteria: GeneDx Variant Classification Process June 2021. Collection method: clinical testing. Allele origin: germline. Affected: yes.
Comment: Not observed at significant frequency in large population cohorts (gnomAD); Nonsense variant predicted to result in protein truncation or nonsense mediated decay in a gene or region of a gene for which loss of function is not a well-established mechanism of disease; Has not been previously published as pathogenic or benign to our knowledge

NM_006218.4(PIK3CA):c.2221C>T (p.Arg741Ter)

Gene: PIK3CA (phosphatidylinositol-4,5-bisphosphate 3-kinase catalytic subunit alpha; plus strand). Cytogenetic location: 3q26.32.
Variant type: single nucleotide variant.
Coding change: c.2221C>T on transcript NM_006218.4 (MANE Select); coding-DNA position 2221, C replaced by T.
Protein change: p.Arg741Ter; replaces arginine 741 with a stop codon.
Molecular consequence: nonsense.
Genome position (GRCh38, 1-based): chr3:179,224,114, C>T. VCF-style: chr3-179224114-C-T. GRCh37 (hg19) VCF-style: chr3-178941902-C-T.
Other names: short protein forms R741*.
Identifiers: ClinVar variation 1723110 (VCV001723110.2), dbSNP rs893296498, ClinGen allele CA88530928.
Genomic context (GRCh38, chr3:179,224,114, plus strand): 5'-CTGTGACTATCCTTTTTTTTTAATCAGGTACAGATGAAGTTTTTAGTTGAGCAAATGAGG[C>T]GACCAGATTTCATGGATGCTCTACAGGGCTTTCTGTCTCCTCTAAACCCTGCTCATCAAC-3'